The following is an entry in ClinVar:

ClinVar aggregate classification (germline): Uncertain significance. Review status: criteria provided, single submitter (1 of 4 stars). 2 submissions from 2 submitters: Uncertain significance (1). 1 of the submissions does not count toward it. Last evaluated 2026-01-21.

Conditions:
Immunodeficiency, common variable, 12 (CVID12). Also called: IMMUNODEFICIENCY, COMMON VARIABLE, 12, WITH AUTOIMMUNITY; NFKB1 DEFICIENCY. Identifiers: Orphanet 1572, Orphanet 696874, MedGen C4225277, MONDO:0014697, OMIM 616576.

Allele frequency attached by ClinVar (database versions not stated): TOPMed below 0.00001.

Submissions (2):

Labcorp Genetics (formerly Invitae), Labcorp
Classification: Uncertain significance. Last evaluated: 2026-01-21. Review status: criteria provided, single submitter. Criteria: Invitae Variant Classification Sherloc (09022015). Collection method: clinical testing. Allele origin: germline.
Comment: This sequence change replaces arginine, which is basic and polar, with cysteine, which is neutral and slightly polar, at codon 57 of the NFKB1 protein (p.Arg57Cys). This variant is not present in population databases (gnomAD no frequency). This missense change has been observed in individual(s) with common variable immunodeficiency (PMID: 34975878). ClinVar contains an entry for this variant (Variation ID: 1058857). Invitae Evidence Modeling of protein sequence and biophysical properties (such as structural, functional, and spatial information, amino acid conservation, physicochemical variation, residue mobility, and thermodynamic stability) indicates that this missense variant is expected to disrupt NFKB1 protein function with a positive predictive value of 80%. Experimental studies have shown that this missense change affects NFKB1 function (PMID: 32278790, 36105815). In summary, the available evidence is currently insufficient to determine the role of this variant in disease. Therefore, it has been classified as a Variant of Uncertain Significance.

OMIM
Classification: Pathogenic for IMMUNODEFICIENCY, COMMON VARIABLE, 12, WITH AUTOIMMUNITY. Last evaluated: 2021-04-20. Review status: no assertion criteria provided. Collection method: literature only. Allele origin: germline. Not counted in ClinVar's aggregate classification.

Literature cited by the submitters: PubMed 34975878 (cited by Labcorp Genetics (formerly Invitae), Labcorp); PubMed 32278790 (cited by Labcorp Genetics (formerly Invitae), Labcorp and OMIM); PubMed 36105815 (cited by Labcorp Genetics (formerly Invitae), Labcorp).

NM_003998.4(NFKB1):c.169C>T (p.Arg57Cys)

Gene: NFKB1 (nuclear factor kappa B subunit 1; plus strand). Cytogenetic location: 4q24.
Variant type: single nucleotide variant.
Coding change: c.169C>T on transcript NM_003998.4 (MANE Select); coding-DNA position 169, C replaced by T.
Protein change: p.Arg57Cys; replaces arginine 57 with cysteine.
Molecular consequence: missense variant.
Genome position (GRCh38, 1-based): chr4:102,537,867, C>T. VCF-style: chr4-102537867-C-T. GRCh37 (hg19) VCF-style: chr4-103459024-C-T.
Other names: c.166C>T, p.Arg56Cys (NM_001165412.2, NM_001319226.2, NM_001382627.1); c.169C>T, p.Arg57Cys (NM_001382625.1, NM_001382626.1); c.127C>T, p.Arg43Cys (NM_001382628.1); short protein forms R43C, R56C, R57C.
Identifiers: ClinVar variation 1058857 (VCV001058857.6), dbSNP rs1040399901, ClinGen allele CA103124400.